The following is an entry in ClinVar:

ClinVar aggregate classification (germline): Uncertain significance (1 of 4 stars; one submission).

Allele frequency attached by ClinVar (database versions not stated): gnomAD exomes below 0.00001; ExAC 0.00001; gnomAD 0.00001.
gnomAD v4.1: 8 of 1,613,068 alleles (0.0005%); highest among the groups gnomAD compares: Middle Eastern, 0.016%; no homozygotes.

Submission:

Labcorp Genetics (formerly Invitae), Labcorp
Classification: Uncertain significance. Last evaluated: 2022-08-04. Review status: criteria provided, single submitter. Criteria: Invitae Variant Classification Sherloc (09022015). Collection method: clinical testing. Allele origin: germline.
Comment: This variant has not been reported in the literature in individuals affected with RNF31-related conditions. In summary, the available evidence is currently insufficient to determine the role of this variant in disease. Therefore, it has been classified as a Variant of Uncertain Significance. Algorithms developed to predict the effect of missense changes on protein structure and function (SIFT, PolyPhen-2, Align-GVGD) all suggest that this variant is likely to be tolerated. This variant is present in population databases (rs761521255, gnomAD 0.009%). This sequence change replaces aspartic acid, which is acidic and polar, with alanine, which is neutral and non-polar, at codon 626 of the RNF31 protein (p.Asp626Ala).

NM_017999.5(RNF31):c.1877A>C (p.Asp626Ala)

Gene: RNF31 (ring finger protein 31; plus strand). Cytogenetic location: 14q12.
Variant type: single nucleotide variant.
Coding change: c.1877A>C on transcript NM_017999.5 (MANE Select); coding-DNA position 1877, A replaced by C.
Protein change: p.Asp626Ala; replaces aspartic acid 626 with alanine.
Molecular consequence: missense variant.
Genome position (GRCh38, 1-based): chr14:24,151,624, A>C. VCF-style: chr14-24151624-A-C. GRCh37 (hg19) VCF-style: chr14-24620833-A-C.
Other names: c.1424A>C, p.Asp475Ala (NM_001310332.2); short protein forms D626A, D475A.
Identifiers: ClinVar variation 2072144 (VCV002072144.4), dbSNP rs761521255, ClinGen allele CA7125907.